The following is an entry in ClinVar:

NM_000222.3(KIT):c.2259T>C (p.Thr753=)

Gene: KIT (KIT proto-oncogene, receptor tyrosine kinase; plus strand). Cytogenetic location: 4q12.
Variant type: single nucleotide variant.
Coding change: c.2259T>C on transcript NM_000222.3 (MANE Select); coding-DNA position 2259, T replaced by C.
Protein change: p.Thr753=; no amino-acid change (threonine 753 retained).
Molecular consequence: synonymous variant.
Genome position (GRCh38, 1-based): chr4:54,731,896, T>C. VCF-style: chr4-54731896-T-C. GRCh37 (hg19) VCF-style: chr4-55598062-T-C.
Other names: c.2247T>C, p.Thr749= (NM_001093772.2, NM_001385292.1); c.2262T>C, p.Thr754= (NM_001385284.1); c.2256T>C, p.Thr752= (NM_001385285.1); c.2244T>C, p.Thr748= (NM_001385286.1); c.2250T>C, p.Thr750= (NM_001385288.1); c.2259T>C, p.Thr753= (NM_001385290.1).
Identifiers: ClinVar variation 415781 (VCV000415781.47), dbSNP rs764287169, ClinGen allele CA2923705.

ClinVar aggregate classification (germline): Benign/Likely benign. Review status: criteria provided, multiple submitters, no conflicts (2 of 4 stars). 9 submissions from 9 submitters: Benign (1); Likely benign (6). 2 of the submissions do not count toward it. Last evaluated 2026-07-01.

Conditions:
Gastrointestinal stromal tumor. Also called: Gastrointestinal stroma tumor; Gastrointestinal stromal tumor, somatic. Identifiers: Orphanet 44890, MedGen C0238198, MeSH D046152, MONDO:0011719, OMIM 606764, HP:0100723.
Hereditary cancer-predisposing syndrome. Also called: Hereditary neoplastic syndrome; Neoplastic Syndromes, Hereditary; Hereditary Cancer Syndrome; Tumor predisposition. Identifiers: Orphanet 140162, MedGen C0027672, MeSH D009386, MONDO:0015356.
KIT-related disorder. Also called: KIT-related condition.

Allele frequency attached by ClinVar (database versions not stated): TOPMed 0.00005; ExAC 0.00006; gnomAD exomes 0.00006; gnomAD 0.00008 and 0.00009.
gnomAD v4.1: 92 of 1,613,412 alleles (0.0057%); highest among the groups gnomAD compares: Middle Eastern, 0.016%; no homozygotes.

Submissions (9):

CeGaT Center for Human Genetics Tuebingen
Classification: Likely benign. Last evaluated: 2026-07-01. Review status: criteria provided, single submitter. Criteria: CeGaT Center For Human Genetics Tuebingen Variant Classification Criteria Version 2. Collection method: clinical testing. Allele origin: germline. Affected: yes. Observed: 5 variant alleles.
Comment: KIT: BP4, BP7

Myriad Genetics, Inc.
Classification: Benign for Gastrointestinal stromal tumor. Last evaluated: 2026-06-04. Review status: criteria provided, single submitter. Criteria: Myriad Autosomal Dominant, Autosomal Recessive and X-Linked Classification Criteria (2023). Collection method: clinical testing. Allele origin: unknown.
Comment: This variant is considered benign. This variant is a silent/synonymous amino acid change and it is not expected to impact splicing.

Labcorp Genetics (formerly Invitae), Labcorp
Classification: Likely benign for Gastrointestinal stromal tumor. Last evaluated: 2026-01-19. Review status: criteria provided, single submitter. Criteria: Invitae Variant Classification Sherloc (09022015). Collection method: clinical testing. Allele origin: germline.

Blueprint Genetics
Classification: Likely benign. Last evaluated: 2024-10-23. Review status: criteria provided, single submitter. Criteria: ACMG Guidelines, 2015. Collection method: clinical testing. Allele origin: germline.

GeneDx
Classification: Likely benign. Last evaluated: 2021-03-31. Review status: criteria provided, single submitter. Criteria: GeneDx Variant Classification Process June 2021. Collection method: clinical testing. Allele origin: germline. Affected: yes.

Ambry Genetics
Classification: Likely benign for Hereditary cancer-predisposing syndrome. Last evaluated: 2019-05-16. Review status: criteria provided, single submitter. Criteria: Ambry Variant Classification Scheme 2023. Collection method: clinical testing. Allele origin: germline.

Breakthrough Genomics
Classification: Likely benign. Review status: criteria provided, single submitter. Criteria: ACMG Guidelines, 2015. Collection method: not provided. Allele origin: germline. Inheritance: Autosomal dominant inheritance. Affected: yes.

PreventionGenetics, part of Exact Sciences
Classification: Likely benign for KIT-related condition. Last evaluated: 2023-07-27. Review status: no assertion criteria provided. Collection method: clinical testing. Allele origin: germline. Not counted in ClinVar's aggregate classification.
Comment: This variant is classified as likely benign based on ACMG/AMP sequence variant interpretation guidelines (Richards et al. 2015 PMID: 25741868, with internal and published modifications).

Genetic Services Laboratory, University of Chicago
Classification: Likely benign. Last evaluated: 2022-07-19. Review status: no assertion criteria provided. Collection method: clinical testing. Allele origin: germline. Affected: no. Not counted in ClinVar's aggregate classification.